The following is an entry in ClinVar:

NM_000435.3(NOTCH3):c.925G>A (p.Glu309Lys)

Gene: NOTCH3 (notch receptor 3; minus strand). Cytogenetic location: 19p13.12.
Variant type: single nucleotide variant.
Coding change: c.925G>A on transcript NM_000435.3 (MANE Select); coding-DNA position 925, G replaced by A.
Protein change: p.Glu309Lys; replaces glutamic acid 309 with lysine.
Molecular consequence: missense variant.
Genome position (GRCh38, 1-based): chr19:15,191,535, C>T on the plus strand (G>A on the coding strand, the complement: NOTCH3 is on the minus strand). VCF-style: chr19-15191535-C-T. GRCh37 (hg19) VCF-style: chr19-15302346-C-T.
Other names: short protein forms E309K.
Identifiers: ClinVar variation 804654 (VCV000804654.2), dbSNP rs1386908989, ClinGen allele CA404531211.

ClinVar aggregate classification (germline): Uncertain significance (1 of 4 stars; one submission).

Allele frequency attached by ClinVar (database versions not stated): gnomAD exomes below 0.00001; gnomAD 0.00002; TOPMed 0.00003.
gnomAD v4.1: 8 of 1,613,190 alleles (0.0005%); highest among the groups gnomAD compares: Non-Finnish European, 0.00059%; no homozygotes.

Submission:

Athena Diagnostics
Classification: Uncertain significance. Last evaluated: 2023-07-05. Review status: criteria provided, single submitter. Criteria: Athena Diagnostics Criteria. Collection method: clinical testing. Allele origin: unknown.
Comment: Available data are insufficient to determine the clinical significance of the variant at this time. The frequency of this variant in the general population is uninformative in assessment of its pathogenicity. This variant has been identified in at least one individual with clinical features of CADASIL. Computational tools disagree on the variant's effect on normal protein function. Greater than 90% of NOTCH3 pathogenic variants associated with CADASIL involve the gain or loss of a cysteine residue within the epidermal growth factor (EGF)-like repeat domain (PMID: 32457593, 20301673).

Literature cited by the submitters: PubMed 19006080.